The following is an entry in ClinVar:

NM_001854.4(COL11A1):c.*105C>T

Gene: COL11A1 (collagen type XI alpha 1 chain; minus strand). Cytogenetic location: 1p21.1.
Variant type: single nucleotide variant.
Coding change: c.*105C>T on transcript NM_001854.4 (MANE Select); 105 bases downstream of the stop codon, C replaced by T.
Molecular consequence: 3 prime UTR variant. On other transcripts: non-coding transcript variant (1).
Genome position (GRCh38, 1-based): chr1:102,877,914, G>A on the plus strand (C>T on the coding strand, the complement: COL11A1 is on the minus strand). VCF-style: chr1-102877914-G-A. GRCh37 (hg19) VCF-style: chr1-103343470-G-A.
Other names: c.*105C>T (NM_001190709.2, NM_080629.3, NM_080630.4).
Identifiers: ClinVar variation 291490 (VCV000291490.8), dbSNP rs1031820, ClinGen allele CA10607206.

ClinVar aggregate classification (germline): Benign. Review status: criteria provided, multiple submitters, no conflicts (2 of 4 stars). 4 submissions from 3 submitters: Benign (4). Last evaluated 2018-06-26.

Conditions:
Stickler syndrome type 2 (STL2). Also called: STICKLER SYNDROME, TYPE II; STICKLER SYNDROME, BEADED VITREOUS TYPE; STICKLER SYNDROME, VITREOUS TYPE 2; COL11A1-Related Stickler Syndrome. Identifiers: Orphanet 828, Orphanet 90654, MedGen C1858084, MONDO:0011493, OMIM 604841.
Fibrochondrogenesis 1 (FBCG1). Identifiers: Orphanet 2021, MedGen C3278138, MONDO:0009226, OMIM 228520.

Allele frequency attached by ClinVar (database versions not stated): gnomAD 0.10018; 1000 Genomes Project 0.10363; 1000 Genomes Project 30x 0.10572; TOPMed 0.10995.
gnomAD v4.1: 96,654 of 1,157,586 alleles (8.3%); highest among the groups gnomAD compares: Middle Eastern, 16%; 4,699 homozygotes.

Submissions (4):

GeneDx
Classification: Benign. Last evaluated: 2018-06-26. Review status: criteria provided, single submitter. Criteria: GeneDx Variant Classification Process June 2021. Collection method: clinical testing. Allele origin: germline. Affected: yes.

Illumina Laboratory Services, Illumina
Classification: Benign for Stickler syndrome type 2. Last evaluated: 2018-01-12. Review status: criteria provided, single submitter. Criteria: ICSL Variant Classification Criteria 13 December 2019. Collection method: clinical testing. Allele origin: germline.
Comment: This variant was observed in the ICSL laboratory as part of a predisposition screen in an ostensibly healthy population. It had not been previously curated by ICSL or reported in the Human Gene Mutation Database (HGMD: prior to June 1st, 2018), and was therefore a candidate for classification through an automated scoring system. Utilizing variant allele frequency, disease prevalence and penetrance estimates, and inheritance mode, an automated score was calculated to assess if this variant is too frequent to cause the disease. Based on the score and internal cut-off values, a variant classified as benign is not then subjected to further curation. The score for this variant resulted in a classification of benign for this disease.

Illumina Laboratory Services, Illumina
Classification: Benign for Fibrochondrogenesis 1. Last evaluated: 2018-01-12. Review status: criteria provided, single submitter. Criteria: ICSL Variant Classification Criteria 13 December 2019. Collection method: clinical testing. Allele origin: germline.
Comment: the same text as in the submission from Illumina Laboratory Services, Illumina above.

Breakthrough Genomics
Classification: Benign. Review status: criteria provided, single submitter. Criteria: ACMG Guidelines, 2015. Collection method: not provided. Allele origin: germline. Inheritance: Autosomal recessive inheritance. Affected: yes.